The following is an entry in ClinVar:

ClinVar aggregate classification (germline): Uncertain significance. Review status: criteria provided, multiple submitters, no conflicts (2 of 4 stars). 3 submissions from 3 submitters: Uncertain significance (3). Last evaluated 2025-05-12.

Conditions:
Inborn genetic diseases. Identifiers: MedGen C0950123, MeSH D030342.

Allele frequency attached by ClinVar (database versions not stated): gnomAD exomes 0.00002 and 0.00003; gnomAD 0.00027 and 0.00032; TOPMed 0.00028; ExAC 0.00001; ESP Exome Variant Server 0.00023.
gnomAD v4.1: 84 of 1,611,936 alleles (0.0052%); highest among the groups gnomAD compares: African/African-American, 0.08%; no homozygotes.

Submissions (3):

Labcorp Genetics (formerly Invitae), Labcorp
Classification: Uncertain significance. Last evaluated: 2025-05-12. Review status: criteria provided, single submitter. Criteria: Invitae Variant Classification Sherloc (09022015). Collection method: clinical testing. Allele origin: germline.
Comment: This sequence change replaces histidine, which is basic and polar, with tyrosine, which is neutral and polar, at codon 186 of the GFM2 protein (p.His186Tyr). This variant is present in population databases (rs142840376, gnomAD 0.08%), and has an allele count higher than expected for a pathogenic variant. This variant has not been reported in the literature in individuals affected with GFM2-related conditions. ClinVar contains an entry for this variant (Variation ID: 1691070). Invitae Evidence Modeling of protein sequence and biophysical properties (such as structural, functional, and spatial information, amino acid conservation, physicochemical variation, residue mobility, and thermodynamic stability) indicates that this missense variant is not expected to disrupt GFM2 protein function with a negative predictive value of 80%. In summary, the available evidence is currently insufficient to determine the role of this variant in disease. Therefore, it has been classified as a Variant of Uncertain Significance.

Ambry Genetics
Classification: Uncertain significance for Inborn genetic diseases. Last evaluated: 2022-07-26. Review status: criteria provided, single submitter. Criteria: Ambry Variant Classification Scheme 2023. Collection method: clinical testing. Allele origin: germline.

Laboratorio de Genetica e Diagnostico Molecular, Hospital Israelita Albert Einstein
Classification: Uncertain significance. Last evaluated: 2019-06-19. Review status: criteria provided, single submitter. Criteria: ACMG Guidelines, 2015. Collection method: clinical testing. Allele origin: germline. Affected: yes.
Comment: ACMG classification criteria: PM2

NM_032380.5(GFM2):c.556C>T (p.His186Tyr)

Gene: GFM2 (GTP dependent ribosome recycling factor mitochondrial 2; minus strand). Cytogenetic location: 5q13.3.
Variant type: single nucleotide variant.
Coding change: c.556C>T on transcript NM_032380.5 (MANE Select); coding-DNA position 556, C replaced by T.
Protein change: p.His186Tyr; replaces histidine 186 with tyrosine.
Molecular consequence: missense variant. On other transcripts: non-coding transcript variant (1).
Genome position (GRCh38, 1-based): chr5:74,747,744, G>A on the plus strand (C>T on the coding strand, the complement: GFM2 is on the minus strand). VCF-style: chr5-74747744-G-A. GRCh37 (hg19) VCF-style: chr5-74043569-G-A.
Other names: c.652C>T, p.His218Tyr (NM_001281302.2); c.556C>T, p.His186Tyr (NM_170681.3, NM_170691.3); c.556C>T (NM_032380.3); short protein forms H186Y, H218Y.
Identifiers: ClinVar variation 1691070 (VCV001691070.7), dbSNP rs142840376, ClinGen allele CA3306759.
Genomic context (GRCh38, chr5:74,747,744, plus strand): 5'-TCAAATACCTTGCTCCAGTTTTGTCCATCTTGTTTAAAAAACAGATTCGAGGTATATTGT[G>A]TTTATCAGCTTGCCTCCATACTGTGAGAGTCTGGGCCTAAAGCAAAGATGAGGAAAAAAA-3'
Protein context (NP_115756.2, residues 176-196): TLTVWRQADK[His186Tyr]NIPRICFLNK